The following is an entry in ClinVar:

ClinVar aggregate classification (germline): Likely pathogenic. Review status: reviewed by expert panel (3 of 4 stars). 2 submissions from 2 submitters: Likely pathogenic (1). 1 of the submissions does not count toward it. Last evaluated 2025-08-12.

Conditions:
Monogenic diabetes. Identifiers: Orphanet 183625, MedGen C3888631, MONDO:0015967.
Maturity-onset diabetes of the young type 1. Also called: MODY, type I; MILD JUVENILE DIABETES MELLITUS; MODY type 1; Diabetes mellitus MODY type 1; MODY HNF4A related; HNF4A-Related Maturity-Onset Diabetes of the Young Type 1. Identifiers: Orphanet 552, MedGen C1852093, MONDO:0007452, OMIM 125850. Disease mechanism: loss of function.

Submissions (2):

ClinGen Monogenic Diabetes Variant Curation Expert Panel
Classification: Likely pathogenic for Monogenic diabetes. Last evaluated: 2025-08-12. Review status: reviewed by expert panel. Criteria: ClinGen Diabetes ACMG Specifications HNF4A V3.0.0. Collection method: curation. Allele origin: germline. Inheritance: Autosomal dominant inheritance.
Comment: The c.537G>C variant in the hepatocyte nuclear factor 4-alpha gene, HNF4A, causes an amino acid change of tryptophan to cysteine at codon 179 (p.(Trp179Cys)) of NM_175914.5. This variant is absent from gnomAD v4.1.0 (PM2_Supporting). This variant is predicted to be deleterious by computational evidence, with a REVEL score of 0.892, which is greater than the MDEP VCEP threshold of 0.70 (PP3). This variant was identified in two unrelated individuals with non-autoimmune and non-absolute/near-absolute insulin-deficient diabetes; however, PS4_Moderate cannot be applied because this number is below the ClinGen MDEP threshold (PMID: 34826540, 37711893). One of these individuals did have a clinical history highly specific for HNF1A-monogenic diabetes (MODY probability calculator result >50%, negative genetic testing for HNF1A, and antibody negative) (PP4_Moderate; PMID: 37711893). Additionally, this variant segregated with diabetes with four informative meioses in a single family (PP1_Moderate; PMID: 37711893). In summary, c.537G>C meets the criteria to be classified as likely pathogenic for monogenic diabetes. ACMG/AMP criteria applied, as specified by the ClinGen MDEP (specification version 3.0.0, approved 6/30/2025): PP1_Moderate, PP4_Moderate, PM2_Supporting, PP3.

Institute of Monogenic Disease, School of Medicine, Huanghuai University
Classification: Likely pathogenic for Maturity-onset diabetes of the young type 1. Review status: no assertion criteria provided. Collection method: clinical testing. Allele origin: inherited. Affected: yes. Not counted in ClinVar's aggregate classification.

Literature cited by the submitters: PubMed 34826540 (cited by ClinGen Monogenic Diabetes Variant Curation Expert Panel); PubMed 37711893 (cited by ClinGen Monogenic Diabetes Variant Curation Expert Panel).

NM_175914.5(HNF4A):c.537G>C (p.Trp179Cys)

Gene: HNF4A (hepatocyte nuclear factor 4 alpha; plus strand). Cytogenetic location: 20q13.12.
Variant type: single nucleotide variant.
Coding change: c.537G>C on transcript NM_175914.5 (MANE Select); coding-DNA position 537, G replaced by C.
Protein change: p.Trp179Cys; replaces tryptophan 179 with cysteine.
Molecular consequence: missense variant.
Genome position (GRCh38, 1-based): chr20:44,414,617, G>C. VCF-style: chr20-44414617-G-C. GRCh37 (hg19) VCF-style: chr20-43043257-G-C.
Other names: NM_175914.5(HNF4A):c.537G>C; p.Trp179Cys; c.603G>C, p.Trp201Cys (NM_000457.6, NM_178849.3, NM_178850.3); c.537G>C, p.Trp179Cys (NM_001030003.3, NM_001030004.3); c.582G>C, p.Trp194Cys (NM_001258355.2); c.528G>C, p.Trp176Cys (NM_001287182.2, NM_001287183.2, NM_001287184.2); short protein forms W176C, W179C, W194C, W201C.
Identifiers: ClinVar variation 2574633 (VCV002574633.2), dbSNP rs2515680101, ClinGen allele CA409106107.